The following is an entry in ClinVar:

ClinVar aggregate classification (germline): Likely pathogenic (1 of 4 stars; one submission).

Conditions:
Cardiovascular phenotype. Identifiers: MedGen CN230736.
Hereditary cancer-predisposing syndrome. Also called: Hereditary Cancer Syndrome; Hereditary neoplastic syndrome; Neoplastic Syndromes, Hereditary; Tumor predisposition. Identifiers: Orphanet 140162, MedGen C0027672, MeSH D009386, MONDO:0015356.

Submission:

Ambry Genetics
Classification: Likely pathogenic for Cardiovascular phenotype; Hereditary cancer-predisposing syndrome. Last evaluated: 2025-05-16. Review status: criteria provided, single submitter. Criteria: Ambry Variant Classification Scheme 2023. Collection method: clinical testing. Allele origin: germline.
Comment: The c.2220-16_2220-14delCTT intronic variant, located in intron 18 of the LZTR1 gene, results from a deletion of 3 nucleotides within intron 18 of the LZTR1 gene. This variant was reported in individuals with features consistent with LZTR1-related schwannomatosis (Piotrowski A et al. Nat. Genet., 2014 Feb;46:182-7; external communication; Ambry internal data). In one individual, schwannoma analysis indicated loss of heterozygosity at the LZTR1 and NF2 loci with retention of this LZTR1 variant and a somatic NF2 pathogenic mutation (Piotrowski A et al. Nat. Genet., 2014 Feb). This nucleotide position is well conserved in available vertebrate species. This alteration is located within a U12-type intron and in silico tools are not reliable predictors of splice sites in this type of intron. However, this variant is likely to impact the branch point. Direct evidence of a splicing impact is insufficient at this time (Ambry internal data). Based on the supporting evidence, this variant is likely pathogenic for an increased risk of LZTR1-related schwannomatosis (SWN) and would be expected to cause autosomal recessive Noonan syndrome when present along with a second pathogenic or likely pathogenic variant on the other allele.

Literature cited by the submitters: PubMed 24362817.

NM_006767.4(LZTR1):c.2220-16_2220-14del

Gene: LZTR1 (leucine zipper like post translational regulator 1; plus strand). Cytogenetic location: 22q11.21.
Variant type: Deletion.
Coding change: c.2220-16_2220-14del on transcript NM_006767.4 (MANE Select); 16 bases into the intron before coding-DNA position 2220 through 14 bases into the intron before coding-DNA position 2220, 3 bases deleted (CTT; older notation c.2220-16_2220-14delCTT).
Molecular consequence: intron variant.
Genome position (GRCh38, 1-based): chr22:20,996,680-20,996,682, CTT deleted. VCF-style (leftmost placement, unchanged base first): chr22-20996679-CCTT-C. GRCh37 (hg19) VCF-style: chr22-21350968-CCTT-C.
Identifiers: ClinVar variation 3923199 (VCV003923199.1).